The following is an entry in ClinVar:

ClinVar aggregate classification (germline): Conflicting classifications of pathogenicity. Review status: criteria provided, conflicting classifications (1 of 4 stars). 4 submissions from 4 submitters: Likely pathogenic (1); Uncertain significance (2). 1 of the submissions does not count toward it. Last evaluated 2025-03-31.

Conditions:
Polycystic kidney disease, adult type (PKD1). Also called: POLYCYSTIC KIDNEY DISEASE, ADULT, TYPE I; Polycystic Kidney Disease 1, Autosomal Dominant; Polycystic kidney disease 1; Polycystic kidney disease 1, severe; Polycystic Kidney, Autosomal Dominant; POLYCYSTIC KIDNEY DISEASE 1 WITH OR WITHOUT POLYCYSTIC LIVER DISEASE. Identifiers: MedGen C3149841, MONDO:0008263, OMIM 173900.

Submissions (4):

GeneDx
Classification: Uncertain significance. Last evaluated: 2025-03-31. Review status: criteria provided, single submitter. Criteria: GeneDx Variant Classification Process June 2021. Collection method: clinical testing. Allele origin: germline. Affected: yes.
Comment: Identified with an additional variant on the opposite allele (in trans) in a patient with early-onset cystic nephropathy in published literature (PMID: 37372410); In-frame duplication of 2 amino acid(s) with an unclear effect on protein function; Not observed at significant frequency in large population cohorts (gnomAD); This variant is associated with the following publications: (PMID: 37372410)

Fulgent Genetics
Classification: Likely pathogenic for Polycystic kidney disease, adult type. Last evaluated: 2024-05-22. Review status: criteria provided, single submitter. Criteria: ACMG Guidelines, 2015. Collection method: clinical testing. Allele origin: germline.

Blueprint Genetics
Classification: Uncertain significance. Last evaluated: 2022-04-13. Review status: criteria provided, single submitter. Criteria: ACMG Guidelines, 2015. Collection method: clinical testing. Allele origin: germline.

Bioscientia Institut fuer Medizinische Diagnostik GmbH, Sonic Healthcare
Classification: Uncertain significance for Polycystic kidney disease, adult type. Last evaluated: 2017-04-20. Review status: no assertion criteria provided. Collection method: clinical testing. Allele origin: germline. Affected: yes. Not counted in ClinVar's aggregate classification.

NM_001009944.3(PKD1):c.10698GGCTGT[4] (p.3567AV[4])

Genes: PKD1 (polycystin 1, transient receptor potential channel interacting; minus strand), PKD1-AS1 (PKD1 antisense RNA 1; plus strand). Cytogenetic location: 16p13.3.
Variant type: Microsatellite.
Coding change: c.10698GGCTGT[4] on transcript NM_001009944.3 (MANE Select); four copies in a row of the 6-base unit GGCTGT starting at c.10698; the reference has three copies in a row; one copy, 6 bases duplicated; also written c.10710_10715dup.
Protein change: p.3567AV[4].
Molecular consequence: inframe insertion.
Genome position (GRCh38, 1-based): chr16:2,093,917-2,093,922, ACAGCC duplicated on the plus strand (GGCTGT on the coding strand, the reverse complement: PKD1 is on the minus strand); duplicating any 6 consecutive bases within chr16:2,093,917-2,093,936 gives the same sequence; the position shown is the placement nearest the transcript's 3' end. VCF-style (leftmost placement, unchanged base first): chr16-2093916-G-GACAGCC. GRCh37 (hg19) VCF-style: chr16-2143917-G-GACAGCC.
Other names: c.10710_10715dup (NM_001009944.2, NM_001009944.3); c.10695GGCTGT[4], p.3566AV[4] (NM_000296.4).
Identifiers: ClinVar variation 438650 (VCV000438650.6), dbSNP rs777460677, ClinGen allele CA7829452.